The following is an entry in ClinVar:

NM_006363.6(SEC23B):c.1415C>T (p.Pro472Leu)

Gene: SEC23B (SEC23 homolog B, COPII component; plus strand). Cytogenetic location: 20p11.23.
Variant type: single nucleotide variant.
Coding change: c.1415C>T on transcript NM_006363.6 (MANE Select); coding-DNA position 1415, C replaced by T.
Protein change: p.Pro472Leu; replaces proline 472 with leucine.
Molecular consequence: missense variant.
Genome position (GRCh38, 1-based): chr20:18,542,306, C>T. VCF-style: chr20-18542306-C-T. GRCh37 (hg19) VCF-style: chr20-18522950-C-T.
Other names: c.1415C>T, p.Pro472Leu (NM_001172745.3, NM_032985.6, NM_032986.5); c.1361C>T, p.Pro454Leu (NM_001172746.3); short protein forms P472L, P454L.
Identifiers: ClinVar variation 1409895 (VCV001409895.5), dbSNP rs752548887, ClinGen allele CA9778355.

ClinVar aggregate classification (germline): Uncertain significance (1 of 4 stars; one submission).

Conditions:
Congenital dyserythropoietic anemia, type II (CDAN2). Also called: DYSERYTHROPOIETIC ANEMIA, HEMPAS TYPE. Identifiers: Orphanet 98873, MedGen C1306589, MONDO:0009134, OMIM 224100.
Cowden syndrome 7 (CWS7). Identifiers: Orphanet 201, MedGen C4225179, MONDO:0014802, OMIM 616858.

Allele frequency attached by ClinVar (database versions not stated): gnomAD exomes below 0.00001 and 0.00001; ExAC 0.00001.
gnomAD v4.1: 16 of 1,614,000 alleles (0.00099%); highest among the groups gnomAD compares: Admixed American, 0.0017%; no homozygotes.

Submission:

Labcorp Genetics (formerly Invitae), Labcorp
Classification: Uncertain significance for Congenital dyserythropoietic anemia, type II; Cowden syndrome 7. Last evaluated: 2021-08-24. Review status: criteria provided, single submitter. Criteria: Invitae Variant Classification Sherloc (09022015). Collection method: clinical testing. Allele origin: germline.
Comment: This sequence change replaces proline with leucine at codon 472 of the SEC23B protein (p.Pro472Leu). The proline residue is highly conserved and there is a moderate physicochemical difference between proline and leucine. This variant is present in population databases (rs752548887, ExAC 0.006%). This missense change has been observed in individual(s) with congenital dyserythropoietic anemia (PMID: 25044164). Algorithms developed to predict the effect of missense changes on protein structure and function are either unavailable or do not agree on the potential impact of this missense change (SIFT: "Deleterious"; PolyPhen-2: "Possibly Damaging"; Align-GVGD: "Class C15"). In summary, the available evidence is currently insufficient to determine the role of this variant in disease. Therefore, it has been classified as a Variant of Uncertain Significance.

Literature cited by the submitters: PubMed 25044164.